The following is an entry in ClinVar:

ClinVar aggregate classification (germline): Pathogenic (1 of 4 stars; one submission).

Conditions:
Mucopolysaccharidosis type 7 (MPS7). Also called: MPS VII; BETA-GLUCURONIDASE DEFICIENCY; GUSB DEFICIENCY; SLY SYNDROME. Identifiers: Orphanet 584, MedGen C0085132, MONDO:0009662, OMIM 253220.

Submission:

Labcorp Genetics (formerly Invitae), Labcorp
Classification: Pathogenic for Mucopolysaccharidosis type 7. Last evaluated: 2023-06-25. Review status: criteria provided, single submitter. Criteria: Invitae Variant Classification Sherloc (09022015). Collection method: clinical testing. Allele origin: germline.
Comment: For these reasons, this variant has been classified as Pathogenic. This variant has not been reported in the literature in individuals affected with GUSB-related conditions. This variant is not present in population databases (gnomAD no frequency). This sequence change creates a premature translational stop signal (p.Gly26Argfs*28) in the GUSB gene. It is expected to result in an absent or disrupted protein product. Loss-of-function variants in GUSB are known to be pathogenic (PMID: 19224584).

Literature cited by the submitters: PubMed 19224584.

NM_000181.4(GUSB):c.74dup (p.Gly26fs)

Gene: GUSB (glucuronidase beta; minus strand). Cytogenetic location: 7q11.21.
Variant type: Duplication.
Coding change: c.74dup on transcript NM_000181.4 (MANE Select); coding-DNA position 74, one base duplicated (G; older notation c.74dupG).
Protein change: p.Gly26fs; shifts the reading frame from glycine 26.
Molecular consequence: frameshift variant. On other transcripts: 5 prime UTR variant (2), non-coding transcript variant (1).
Genome position (GRCh38, 1-based): chr7:65,982,110, C duplicated on the plus strand (G on the coding strand, the reverse complement: GUSB is on the minus strand); the first of 3 consecutive C bases (chr7:65,982,110-65,982,112); duplicating any one gives the same sequence. VCF-style (leftmost placement, unchanged base first): chr7-65982109-G-GC. GRCh37 (hg19) VCF-style: chr7-65447096-G-GC.
Other names: c.74dup, p.Gly26fs (NM_001284290.2); c.-312dup (NM_001293104.2); c.-256dup (NM_001293105.2); short protein forms G26fs.
Identifiers: ClinVar variation 2728754 (VCV002728754.3), dbSNP rs2484858423, ClinGen allele CA2697557311.